The following is an entry in ClinVar:

NM_001458.5(FLNC):c.3343_3344insT (p.Gly1115fs)

Gene: FLNC (filamin C; plus strand). Cytogenetic location: 7q32.1.
Variant type: Insertion.
Coding change: c.3343_3344insT on transcript NM_001458.5 (MANE Select); coding-DNA positions 3343 to 3344, T inserted.
Protein change: p.Gly1115fs; shifts the reading frame from glycine 1115.
Molecular consequence: frameshift variant.
Genome position: GRCh38 VCF-style: chr7-128844808-G-GT. GRCh37 (hg19) VCF-style: chr7-128484862-G-GT.
Other names: c.3343_3344insT, p.Gly1115fs (NM_001127487.2); short protein forms G1115fs.
Identifiers: ClinVar variation 2444230 (VCV002444230.1), dbSNP rs2536637317, ClinGen allele CA2580076606.

ClinVar aggregate classification (germline): Likely pathogenic (1 of 4 stars; one submission).

Conditions:
Hypertrophic cardiomyopathy 26. Also called: Cardiomyopathy, familial hypertrophic, 26. Identifiers: Orphanet 75249, MedGen C4310749, MONDO:0014883, OMIM 617047.

Submission:

3billion
Classification: Likely pathogenic for Hypertrophic cardiomyopathy 26. Last evaluated: 2023-02-23. Review status: criteria provided, single submitter. Criteria: ACMG Guidelines, 2015. Collection method: clinical testing. Allele origin: unknown. Affected: yes.
Comment: The variant is not observed in the gnomAD v2.1.1 dataset. This variant was predicted to result in a loss or disruption of normal protein function through nonsense-mediated decay (NMD) or protein truncation. Multiple pathogenic variants are reported downstream of the variant. Therefore, this variant is classified as Likely pathogenic according to the recommendation of ACMG/AMP guideline.